The following is an entry in ClinVar:

ClinVar aggregate classification (germline): Pathogenic/Likely pathogenic. Review status: criteria provided, multiple submitters, no conflicts (2 of 4 stars). 2 submissions from 2 submitters: Pathogenic (1); Likely pathogenic (1). Last evaluated 2024-09-22.

Conditions:
Body skin hyperlaxity due to vitamin K-dependent coagulation factor deficiency (PXECD). Also called: PXE-like disorder; PSEUDOXANTHOMA ELASTICUM-LIKE DISORDER WITH MULTIPLE COAGULATION FACTOR DEFICIENCY; PXE-LIKE DISORDER WITH MULTIPLE COAGULATION FACTOR DEFICIENCY. Identifiers: Orphanet 91135, MedGen C1835813, MONDO:0012570, OMIM 610842.

gnomAD v4.1: 3 of 1,613,636 alleles (0.00019%); highest among the groups gnomAD compares: Non-Finnish European, 0.00025%; no homozygotes.

Submissions (2):

Genomic Medicine Center of Excellence, King Faisal Specialist Hospital and Research Centre
Classification: Likely pathogenic for Body skin hyperlaxity due to vitamin K-dependent coagulation factor deficiency. Last evaluated: 2024-09-22. Review status: criteria provided, single submitter. Criteria: ACMG Guidelines, 2015. Collection method: clinical testing. Allele origin: germline.

Labcorp Genetics (formerly Invitae), Labcorp
Classification: Pathogenic. Last evaluated: 2022-02-09. Review status: criteria provided, single submitter. Criteria: Invitae Variant Classification Sherloc (09022015). Collection method: clinical testing. Allele origin: germline.
Comment: This missense change has been observed in individuals with vitamin K–dependent coagulation factor deficiency (PMID: 16720838, 25151188, 32808310). It has also been observed to segregate with disease in related individuals. For these reasons, this variant has been classified as Pathogenic. Experimental studies have shown that this missense change affects GGCX function (PMID: 16720838, 33507293). Algorithms developed to predict the effect of missense changes on protein structure and function are either unavailable or do not agree on the potential impact of this missense change (SIFT: "Deleterious"; PolyPhen-2: "Probably Damaging"; Align-GVGD: "Class C0"). This variant is present in population databases (rs779018917, gnomAD 0.002%). This sequence change replaces tryptophan, which is neutral and slightly polar, with arginine, which is basic and polar, at codon 157 of the GGCX protein (p.Trp157Arg).

Literature cited by the submitters: PubMed 16720838 (cited by Labcorp Genetics (formerly Invitae), Labcorp); PubMed 25151188 (cited by Labcorp Genetics (formerly Invitae), Labcorp); PubMed 32808310 (cited by Labcorp Genetics (formerly Invitae), Labcorp); PubMed 33507293 (cited by Labcorp Genetics (formerly Invitae), Labcorp).

NM_000821.7(GGCX):c.469T>C (p.Trp157Arg)

Gene: GGCX (gamma-glutamyl carboxylase; minus strand). Cytogenetic location: 2p11.2.
Variant type: single nucleotide variant.
Coding change: c.469T>C on transcript NM_000821.7 (MANE Select); coding-DNA position 469, T replaced by C.
Protein change: p.Trp157Arg; replaces tryptophan 157 with arginine.
Molecular consequence: missense variant.
Genome position (GRCh38, 1-based): chr2:85,558,510, A>G on the plus strand (T>C on the coding strand, the complement: GGCX is on the minus strand). VCF-style: chr2-85558510-A-G. GRCh37 (hg19) VCF-style: chr2-85785633-A-G.
Other names: c.298T>C, p.Trp100Arg (NM_001142269.4); short protein forms W100R, W157R.
Identifiers: ClinVar variation 1470010 (VCV001470010.7), dbSNP rs779018917, ClinGen allele CA1742123.